The following is an entry in ClinVar:

ClinVar aggregate classification (germline): Benign/Likely benign. Review status: criteria provided, multiple submitters, no conflicts (2 of 4 stars). 3 submissions from 3 submitters: Benign (2); Likely benign (1). Last evaluated 2026-02-01.

Allele frequency attached by ClinVar (database versions not stated): TOPMed 0.00405; gnomAD 0.00480 and 0.00450; 1000 Genomes Project 0.00160; ExAC 0.00443; ESP Exome Variant Server 0.00469; 1000 Genomes Project 30x 0.00125; gnomAD exomes 0.00425 and 0.00613.
gnomAD v4.1: 9,592 of 1,613,048 alleles (0.59%); highest among the groups gnomAD compares: Non-Finnish European, 0.72%; 49 homozygotes.

Submissions (3):

Labcorp Genetics (formerly Invitae), Labcorp
Classification: Benign. Last evaluated: 2026-02-01. Review status: criteria provided, single submitter. Criteria: Invitae Variant Classification Sherloc (09022015). Collection method: clinical testing. Allele origin: germline.

CeGaT Center for Human Genetics Tuebingen
Classification: Likely benign. Last evaluated: 2023-01-01. Review status: criteria provided, single submitter. Criteria: CeGaT Center For Human Genetics Tuebingen Variant Classification Criteria Version 2. Collection method: clinical testing. Allele origin: germline. Affected: yes. Observed: 1 variant allele.
Comment: BCCIP: BS2; DHX32: BP4, BS2

Breakthrough Genomics
Classification: Benign. Review status: criteria provided, single submitter. Criteria: ACMG Guidelines, 2015. Collection method: not provided. Allele origin: germline. Inheritance: Unknown mechanism. Affected: yes.

NM_018180.3(DHX32):c.1351+6C>T

Genes: BCCIP (BRCA2 and CDKN1A interacting protein; plus strand), DHX32 (DEAH-box helicase 32 (putative); minus strand). Cytogenetic location: 10q26.2.
Variant type: single nucleotide variant.
Coding change: c.1351+6C>T on transcript NM_018180.3 (MANE Select); 6 bases into the intron after coding-DNA position 1351, C replaced by T.
Molecular consequence: intron variant.
Genome position (GRCh38, 1-based): chr10:125,852,287, G>A on the plus strand (C>T on the coding strand, the complement: DHX32 is on the minus strand). VCF-style: chr10-125852287-G-A. GRCh37 (hg19) VCF-style: chr10-127540856-G-A.
Other names: c.851-838G>A (NM_016567.4).
Identifiers: ClinVar variation 1604187 (VCV001604187.31), dbSNP rs182403412, ClinGen allele CA5739215.